The following is an entry in ClinVar:

ClinVar aggregate classification (germline): Uncertain significance (1 of 4 stars; one submission).

Conditions:
Neurofibromatosis, type 1 (NF1). Also called: NEUROFIBROMATOSIS, TYPE I, SOMATIC; VON RECKLINGHAUSEN DISEASE; Peripheral type neurofibromatosis; Neurofibromatosis, type I. Identifiers: Orphanet 636, MedGen C0027831, MONDO:0018975, OMIM 162200. Disease mechanism: loss of function.

Submission:

Labcorp Genetics (formerly Invitae), Labcorp
Classification: Uncertain significance for Neurofibromatosis, type 1. Last evaluated: 2025-07-29. Review status: criteria provided, single submitter. Criteria: Invitae Variant Classification Sherloc (09022015). Collection method: clinical testing. Allele origin: germline.
Comment: This variant, c.6242_6325dup, results in the insertion of 28 amino acid(s) of the NF1 protein (p.Ile2108_Ile2109ins28), but otherwise preserves the integrity of the reading frame. This variant is not present in population databases (gnomAD no frequency). This variant has not been reported in the literature in individuals affected with NF1-related conditions. In summary, the available evidence is currently insufficient to determine the role of this variant in disease. Therefore, it has been classified as a Variant of Uncertain Significance.

NM_001042492.3(NF1):c.6305_6388dup (p.Ile2129_Ile2130insAsnLeuPheHisValValThrPheLeuValAlaThrGlyProLeuSerLeuArgAlaSerThrHisGlyLeuValIleAsnIle)

Gene: NF1 (neurofibromin 1; plus strand). Cytogenetic location: 17q11.2.
Variant type: Duplication.
Coding change: c.6305_6388dup on transcript NM_001042492.3 (MANE Select); coding-DNA positions 6305 to 6388, 84 bases duplicated.
Protein change: p.Ile2129_Ile2130insAsnLeuPheHisValValThrPheLeuValAlaThrGlyProLeuSerLeuArgAlaSerThrHisGlyLeuValIleAsnIle.
Molecular consequence: inframe insertion.
Genome position (GRCh38, 1-based): chr17:31,336,792-31,336,875, 84 bases duplicated. GRCh37 (hg19): chr17:29,663,810-29,663,893.
Other names: c.6242_6325dup, p.Ile2108_Ile2109insAsnLeuPheHisValValThrPheLeuValAlaThrGlyProLeuSerLeuArgAlaSerThrHisGlyLeuValIleAsnIle (NM_000267.4).
Identifiers: ClinVar variation 4724251 (VCV004724251.1).